The following is an entry in ClinVar:

NM_001048174.2(MUTYH):c.1084G>A (p.Val362Met)

Gene: MUTYH (mutY DNA glycosylase; minus strand). Cytogenetic location: 1p34.1.
Variant type: single nucleotide variant.
Coding change: c.1084G>A on transcript NM_001048174.2 (MANE Select); coding-DNA position 1084, G replaced by A.
Protein change: p.Val362Met; replaces valine 362 with methionine.
Molecular consequence: missense variant. On other transcripts: non-coding transcript variant (2).
Genome position (GRCh38, 1-based): chr1:45,331,679, C>T on the plus strand (G>A on the coding strand, the complement: MUTYH is on the minus strand). VCF-style: chr1-45331679-C-T. GRCh37 (hg19) VCF-style: chr1-45797351-C-T.
Other names: c.1084G>A, p.Val362Met (NM_001048171.2, NM_001048173.2, NM_001293195.2); c.1087G>A, p.Val363Met (NM_001048172.2); c.1168G>A, p.Val390Met (NM_001128425.2); c.1129G>A, p.Val377Met (NM_001293190.2); c.1117G>A, p.Val373Met (NM_001293191.2); c.808G>A, p.Val270Met (NM_001293192.2, NM_001293196.2); c.739G>A, p.Val247Met (NM_001350650.2, NM_001350651.2); c.1159G>A, p.Val387Met (NM_012222.3); short protein forms V247M, V270M, V362M, V363M, V373M, V377M, V387M, V390M.
Identifiers: ClinVar variation 1021155 (VCV001021155.15), dbSNP rs1644891144, ClinGen allele CA340133318.
Genomic context (GRCh38, chr1:45,331,679, plus strand): 5'-TGTTACTCATGCCACTGCCCTCCACGCCCAGTATCCAGGTACCTGAGTTGGGCCTCTGCA[C>T]CAGCAGAATTTGGGCCCCAAGGGCCCCAGGCTGTTCCAGAACACAGGTGGCAGAGCTCTC-3'
Protein context (NP_001041639.1, residues 352-372): PGALGAQILL[Val362Met]QRPNSGLLAG

ClinVar aggregate classification (germline): Uncertain significance. Review status: criteria provided, multiple submitters, no conflicts (2 of 4 stars). 4 submissions from 4 submitters: Uncertain significance (4). Last evaluated 2025-10-29.

Conditions:
Hereditary cancer-predisposing syndrome. Also called: Neoplastic Syndromes, Hereditary; Hereditary Cancer Syndrome; Hereditary neoplastic syndrome; Tumor predisposition. Identifiers: Orphanet 140162, MedGen C0027672, MeSH D009386, MONDO:0015356.
Familial adenomatous polyposis 2. Also called: COLORECTAL ADENOMATOUS POLYPOSIS, AUTOSOMAL RECESSIVE; ADENOMAS, MULTIPLE COLORECTAL, AUTOSOMAL RECESSIVE; Adenomas, multiple colorectal; FAP type 2; MUTYH Polyposis; MUTYH-associated polyposis. Identifiers: Orphanet 220460, Orphanet 247798, MedGen C3272841, MONDO:0012041, OMIM 608456.

Submissions (4):

Ambry Genetics
Classification: Uncertain significance for Hereditary cancer-predisposing syndrome. Last evaluated: 2025-10-29. Review status: criteria provided, single submitter. Criteria: Ambry Variant Classification Scheme 2023. Collection method: clinical testing. Allele origin: germline.
Comment: The p.V390M variant (also known as c.1168G>A), located in coding exon 12 of the MUTYH gene, results from a G to A substitution at nucleotide position 1168. The valine at codon 390 is replaced by methionine, an amino acid with highly similar properties. This amino acid position is conserved. In addition, the in silico prediction for this alteration is inconclusive. Based on the available evidence, the clinical significance of this variant remains unclear.

Labcorp Genetics (formerly Invitae), Labcorp
Classification: Uncertain significance for Familial adenomatous polyposis 2. Last evaluated: 2024-09-04. Review status: criteria provided, single submitter. Criteria: Invitae Variant Classification Sherloc (09022015). Collection method: clinical testing. Allele origin: germline.
Comment: This sequence change replaces valine, which is neutral and non-polar, with methionine, which is neutral and non-polar, at codon 390 of the MUTYH protein (p.Val390Met). This variant is not present in population databases (gnomAD no frequency). This variant has not been reported in the literature in individuals affected with MUTYH-related conditions. ClinVar contains an entry for this variant (Variation ID: 1021155). An algorithm developed to predict the effect of missense changes on protein structure and function (PolyPhen-2) suggests that this variant is likely to be disruptive. In summary, the available evidence is currently insufficient to determine the role of this variant in disease. Therefore, it has been classified as a Variant of Uncertain Significance.

Color Diagnostics, LLC DBA Color Health
Classification: Uncertain significance for Hereditary cancer-predisposing syndrome. Last evaluated: 2024-03-06. Review status: criteria provided, single submitter. Criteria: ACMG Guidelines, 2015. Collection method: clinical testing. Allele origin: germline.
Comment: This missense variant replaces valine with methionine at codon 390 of the MUTYH protein. Computational prediction is inconclusive regarding the impact of this variant on protein structure and function (internally defined REVEL score threshold 0.5 < inconclusive < 0.7, PMID: 27666373). To our knowledge, functional studies have not been reported for this variant. This variant has not been reported in individuals affected with hereditary cancer in the literature. This variant has not been identified in the general population by the Genome Aggregation Database (gnomAD). The available evidence is insufficient to determine the role of this variant in disease conclusively. Therefore, this variant is classified as a Variant of Uncertain Significance.

All of Us Research Program, National Institutes of Health
Classification: Uncertain significance for Familial adenomatous polyposis 2. Last evaluated: 2023-08-15. Review status: criteria provided, single submitter. Criteria: ACMG Guidelines, 2015. Collection method: clinical testing. Allele origin: germline. Inheritance: Autosomal recessive inheritance. Observed: 1 variant allele, 1 heterozygote.
Comment: This missense variant replaces valine with methionine at codon 390 of the MUTYH protein. Computational prediction is inconclusive regarding the impact of this variant on protein structure and function (internally defined REVEL score threshold 0.5 < inconclusive < 0.7, PMID: 27666373). To our knowledge, functional studies have not been reported for this variant. This variant has not been reported in individuals affected with hereditary cancer in the literature. This variant has not been identified in the general population by the Genome Aggregation Database (gnomAD). The available evidence is insufficient to determine the role of this variant in disease conclusively. Therefore, this variant is classified as a Variant of Uncertain Significance.

This study involves interpretation of variants in research participants for the purpose of population health screening. Participant phenotype was not available at the time of variant classification. Additional details can be found in publication PMID: 35346344, PMCID: PMC8962531